The following is an entry in ClinVar:

NC_000017.10:g.(?_41199654)_(41276119_?)del

Gene: BRCA1 (BRCA1 DNA repair associated; minus strand). Cytogenetic location: 17q21.31.
Variant type: Deletion.
Identifiers: ClinVar variation 1075234 (VCV001075234.3).

ClinVar aggregate classification (germline): Pathogenic (1 of 4 stars; one submission).

Conditions:
Hereditary breast ovarian cancer syndrome. Also called: Hereditary breast and ovarian cancer; Breast and ovarian cancer; BRCA1- and BRCA2-Associated Hereditary Breast and Ovarian Cancer; Hereditary breast and/or ovarian cancer syndrome; Hereditary breast and ovarian cancer syndrome; Hereditary breast and ovarian cancer syndrome (HBOC). Identifiers: Orphanet 145, MedGen C0677776, MeSH D061325, MONDO:0003582. Disease mechanism: loss of function.

Submission:

Labcorp Genetics (formerly Invitae), Labcorp
Classification: Pathogenic for Hereditary breast ovarian cancer syndrome. Last evaluated: 2018-01-29. Review status: criteria provided, single submitter. Criteria: Invitae Variant Classification Sherloc (09022015). Collection method: clinical testing. Allele origin: germline.
Comment: While this particular deletion has not been reported in the literature, loss-of-function variants in BRCA1 are known to be pathogenic (PMID: 19393826, 24825132, 23479189, 21120943). This variant is a gross deletion of the genomic region encompassing exons 2-22 of the BRCA1 gene, which includes the initiator codon. The 5' end of this event is unknown as it extends beyond the assayed region for this gene and therefore may encompass additional genes. The 3' boundary is likely confined to intron 22 of the BRCA1 gene. This is expected to result in an absent or disrupted protein product. For these reasons, this variant has been classified as Pathogenic.

Literature cited by the submitters: PubMed 19393826; PubMed 24825132; PubMed 23479189; PubMed 21120943.